The following is an entry in ClinVar:

NM_020738.4(KIDINS220):c.74T>C (p.Leu25Pro)

Gene: KIDINS220 (kinase D interacting substrate 220; minus strand). Cytogenetic location: 2p25.1.
Variant type: single nucleotide variant.
Coding change: c.74T>C on transcript NM_020738.4 (MANE Select); coding-DNA position 74, T replaced by C.
Protein change: p.Leu25Pro; replaces leucine 25 with proline.
Molecular consequence: missense variant. On other transcripts: 5 prime UTR variant (1), non-coding transcript variant (2).
Genome position (GRCh38, 1-based): chr2:8,827,020, A>G on the plus strand (T>C on the coding strand, the complement: KIDINS220 is on the minus strand). VCF-style: chr2-8827020-A-G. GRCh37 (hg19) VCF-style: chr2-8967150-A-G.
Other names: c.74T>C, p.Leu25Pro (NM_001348729.2, NM_001348731.2, NM_001348732.2 and 9 more transcripts); c.-224T>C (NM_001348736.2); short protein forms L25P.
Identifiers: ClinVar variation 3009026 (VCV003009026.3), dbSNP rs750415555, ClinGen allele CA1520549.

ClinVar aggregate classification (germline): Uncertain significance (1 of 4 stars; one submission).

Allele frequency attached by ClinVar (database versions not stated): gnomAD exomes below 0.00001; TOPMed below 0.00001; gnomAD 0.00001; ExAC 0.00002.
gnomAD v4.1: 3 of 1,610,266 alleles (0.00019%); highest among the groups gnomAD compares: East Asian, 0.0022%; no homozygotes.

Submission:

Labcorp Genetics (formerly Invitae), Labcorp
Classification: Uncertain significance. Last evaluated: 2023-09-19. Review status: criteria provided, single submitter. Criteria: Invitae Variant Classification Sherloc (09022015). Collection method: clinical testing. Allele origin: germline.
Comment: This sequence change replaces leucine, which is neutral and non-polar, with proline, which is neutral and non-polar, at codon 25 of the KIDINS220 protein (p.Leu25Pro). This variant is present in population databases (rs750415555, gnomAD 0.003%). In summary, the available evidence is currently insufficient to determine the role of this variant in disease. Therefore, it has been classified as a Variant of Uncertain Significance. An algorithm developed to predict the effect of missense changes on protein structure and function (PolyPhen-2) suggests that this variant is likely to be disruptive. This variant has not been reported in the literature in individuals affected with KIDINS220-related conditions.